The following is an entry in ClinVar:

ClinVar aggregate classification (germline): Uncertain significance. Review status: criteria provided, multiple submitters, no conflicts (2 of 4 stars). 2 submissions from 2 submitters: Uncertain significance (2). Last evaluated 2023-07-10.

Conditions:
Cardiomyopathy (CMYO). Also called: Cardiomyopathies. Identifiers: Orphanet 167848, MedGen C0878544, MONDO:0004994, HP:0001638. Inheritance: Various modes of inheritance.
Hypertrophic cardiomyopathy. Also called: HYPERTROPHIC MYOCARDIOPATHY. Identifiers: Orphanet 217569, MedGen C0007194, MeSH D002312, MONDO:0005045, HP:0001639.

Submissions (2):

All of Us Research Program, National Institutes of Health
Classification: Uncertain significance for Hypertrophic cardiomyopathy. Last evaluated: 2023-07-10. Review status: criteria provided, single submitter. Criteria: ACMG Guidelines, 2015. Collection method: clinical testing. Allele origin: germline. Inheritance: Autosomal dominant inheritance. Observed: 1 variant allele, 1 heterozygote.
Comment: This variant causes a C to G nucleotide substitution at the -14 position of intron 6 of the TPM1 gene. Splice site prediction tools and conservation analysis are inconclusive regarding the impact of this variant on RNA splicing. To our knowledge, functional studies have not been reported for this variant. This variant has not been reported in individuals affected with TPM1-related disorders in the literature. This variant has not been identified in the general population by the Genome Aggregation Database (gnomAD). The available evidence is insufficient to determine the role of this variant in disease conclusively. Therefore, this variant is classified as a Variant of Uncertain Significance.

This study involves interpretation of variants in research participants for the purpose of population health screening. Participant phenotype was not available at the time of variant classification. Additional details can be found in publication PMID: 35346344, PMCID: PMC8962531

Color Diagnostics, LLC DBA Color Health
Classification: Uncertain significance for Cardiomyopathy. Last evaluated: 2023-02-09. Review status: criteria provided, single submitter. Criteria: ACMG Guidelines, 2015. Collection method: clinical testing. Allele origin: germline.
Comment: This variant causes a C to G nucleotide substitution at the -14 position of intron 6 of the TPM1 gene. Splice site prediction tools and conservation analysis are inconclusive regarding the impact of this variant on RNA splicing. To our knowledge, functional studies have not been reported for this variant. This variant has not been reported in individuals affected with TPM1-related disorders in the literature. This variant has not been identified in the general population by the Genome Aggregation Database (gnomAD). The available evidence is insufficient to determine the role of this variant in disease conclusively. Therefore, this variant is classified as a Variant of Uncertain Significance.

NM_001018005.2(TPM1):c.640-14C>G

Gene: TPM1 (tropomyosin 1; plus strand). Cytogenetic location: 15q22.2.
Variant type: single nucleotide variant.
Coding change: c.640-14C>G on transcript NM_001018005.2 (MANE Select); 14 bases into the intron before coding-DNA position 640, C replaced by G.
Molecular consequence: intron variant.
Genome position (GRCh38, 1-based): chr15:63,062,201, C>G. VCF-style: chr15-63062201-C-G. GRCh37 (hg19) VCF-style: chr15-63354400-C-G.
Other names: c.766-14C>G (NM_001365778.1); c.640-14C>G (NM_001018020.2, NM_001018007.2, NM_001018006.2 and 6 more transcripts); c.532-14C>G (NM_001330351.2, NM_001330344.2, NM_001018008.2 and 5 more transcripts).
Identifiers: ClinVar variation 924084 (VCV000924084.6), dbSNP rs781638696, ClinGen allele CA1139664018.